The following is an entry in ClinVar:

ClinVar aggregate classification (germline): Uncertain significance. Review status: criteria provided, multiple submitters, no conflicts (2 of 4 stars). 2 submissions from 2 submitters: Uncertain significance (2). Last evaluated 2025-06-18.

Conditions:
Inborn genetic diseases. Identifiers: MedGen C0950123, MeSH D030342.

Allele frequency attached by ClinVar (database versions not stated): ExAC 0.00001; TOPMed 0.00001; gnomAD 0.00003; ESP Exome Variant Server 0.00008.
gnomAD v4.1: 14 of 1,613,920 alleles (0.00087%); highest among the groups gnomAD compares: African/African-American, 0.0027%; no homozygotes.

Submissions (2):

Ambry Genetics
Classification: Uncertain significance for Inborn genetic diseases. Last evaluated: 2025-06-18. Review status: criteria provided, single submitter. Criteria: Ambry Variant Classification Scheme 2023. Collection method: clinical testing. Allele origin: germline.

Labcorp Genetics (formerly Invitae), Labcorp
Classification: Uncertain significance. Last evaluated: 2022-05-27. Review status: criteria provided, single submitter. Criteria: Invitae Variant Classification Sherloc (09022015). Collection method: clinical testing. Allele origin: germline.
Comment: In summary, the available evidence is currently insufficient to determine the role of this variant in disease. Therefore, it has been classified as a Variant of Uncertain Significance. Algorithms developed to predict the effect of missense changes on protein structure and function are either unavailable or do not agree on the potential impact of this missense change (SIFT: "Deleterious"; PolyPhen-2: "Not Available"; Align-GVGD: "Class C0"). This variant has not been reported in the literature in individuals affected with ASXL2-related conditions. This variant is present in population databases (rs371968648, gnomAD 0.0009%). This sequence change replaces serine, which is neutral and polar, with arginine, which is basic and polar, at codon 102 of the ASXL2 protein (p.Ser102Arg).

NM_018263.6(ASXL2):c.304A>C (p.Ser102Arg)

Gene: ASXL2 (ASXL transcriptional regulator 2; minus strand). Cytogenetic location: 2p23.3.
Variant type: single nucleotide variant.
Coding change: c.304A>C on transcript NM_018263.6 (MANE Select); coding-DNA position 304, A replaced by C.
Protein change: p.Ser102Arg; replaces serine 102 with arginine.
Molecular consequence: missense variant.
Genome position (GRCh38, 1-based): chr2:25,799,484, T>G on the plus strand (A>C on the coding strand, the complement: ASXL2 is on the minus strand). VCF-style: chr2-25799484-T-G. GRCh37 (hg19) VCF-style: chr2-26022353-T-G.
Other names: c.304A>C (NM_018263.4); c.130A>C, p.Ser44Arg (NM_001369346.1); short protein forms S44R, S102R.
Identifiers: ClinVar variation 1956306 (VCV001956306.6), dbSNP rs371968648, ClinGen allele CA1558103.
Genomic context (GRCh38, chr2:25,799,484, plus strand): 5'-TGCCACCATCACTGCTGCTGCTGCTGTTCTCAGAACTCTGGGAATCTGACTGACCATCAC[T>G]GCTTTCTTCTGAACCTTCTGACAGCTCTTTCACCCCATCCGGCACATCTTTCTGAAAATG-3'
Protein context (NP_060733.4, residues 92-112): KELSEGSEES[Ser102Arg]DGQSDSQSSE